The following is an entry in ClinVar:

ClinVar aggregate classification (germline): Uncertain significance (1 of 4 stars; one submission).

Submission:

Labcorp Genetics (formerly Invitae), Labcorp
Classification: Uncertain significance. Last evaluated: 2022-09-06. Review status: criteria provided, single submitter. Criteria: Invitae Variant Classification Sherloc (09022015). Collection method: clinical testing. Allele origin: germline.
Comment: This sequence change replaces proline, which is neutral and non-polar, with arginine, which is basic and polar, at codon 391 of the CAD protein (p.Pro391Arg). This variant is not present in population databases (gnomAD no frequency). This variant has not been reported in the literature in individuals affected with CAD-related conditions. ClinVar contains an entry for this variant (Variation ID: 1407568). Algorithms developed to predict the effect of missense changes on protein structure and function are either unavailable or do not agree on the potential impact of this missense change (SIFT: "Tolerated"; PolyPhen-2: "Possibly Damaging"; Align-GVGD: "Class C0"). In summary, the available evidence is currently insufficient to determine the role of this variant in disease. Therefore, it has been classified as a Variant of Uncertain Significance.

NM_004341.5(CAD):c.1172C>G (p.Pro391Arg)

Gene: CAD (carbamoyl-phosphate synthetase 2, aspartate transcarbamylase, and dihydroorotase; plus strand). Cytogenetic location: 2p23.3.
Variant type: single nucleotide variant.
Coding change: c.1172C>G on transcript NM_004341.5 (MANE Select); coding-DNA position 1172, C replaced by G.
Protein change: p.Pro391Arg; replaces proline 391 with arginine.
Molecular consequence: missense variant.
Genome position (GRCh38, 1-based): chr2:27,224,408, C>G. VCF-style: chr2-27224408-C-G. GRCh37 (hg19) VCF-style: chr2-27447276-C-G.
Other names: c.1172C>G, p.Pro391Arg (NM_001306079.2); short protein forms P391R.
Identifiers: ClinVar variation 1407568 (VCV001407568.6), dbSNP rs1675330825, ClinGen allele CA346203582.